The following is an entry in ClinVar:

ClinVar aggregate classification (germline): Conflicting classifications of pathogenicity. Review status: criteria provided, conflicting classifications (1 of 4 stars). 3 submissions from 3 submitters: Uncertain significance (1); Likely benign (1). 1 of the submissions does not count toward it. Last evaluated 2022-04-01.

Conditions:
EPHA2-related disorder. Also called: EPHA2-related condition.
Cataract 6 multiple types. Also called: CATARACT 6, POSTERIOR POLAR; CATARACT 6, CONGENITAL TOTAL; CATARACT, AGE-RELATED CORTICAL, 2. Identifiers: Orphanet 91492, MedGen C1861825, MONDO:0007288, OMIM 116600.

Allele frequency attached by ClinVar (database versions not stated): gnomAD 0.00040 and 0.00043; TOPMed 0.00051; gnomAD exomes 0.00057 and 0.00085; ESP Exome Variant Server 0.00062; ExAC 0.00074.
gnomAD v4.1: 1,280 of 1,613,968 alleles (0.079%); highest among the groups gnomAD compares: Non-Finnish European, 0.1%; 2 homozygotes.

Submissions (9):

Department of Pathology and Laboratory Medicine, Sinai Health System
Classification: Uncertain significance for Cataract 6 multiple types. Last evaluated: 2022-04-01. Review status: criteria provided, single submitter. Criteria: ACMG Guidelines, 2015. Collection method: research. Allele origin: germline.

Labcorp Genetics (formerly Invitae), Labcorp
Classification: Likely benign. Last evaluated: 2018-04-06. Review status: criteria provided, single submitter. Criteria: Invitae Variant Classification Sherloc (09022015). Collection method: clinical testing. Allele origin: germline.

PreventionGenetics, part of Exact Sciences
Classification: Likely benign for EPHA2-related condition. Last evaluated: 2024-06-21. Review status: no assertion criteria provided. Collection method: clinical testing. Allele origin: germline. Not counted in ClinVar's aggregate classification.
Comment: This variant is classified as likely benign based on ACMG/AMP sequence variant interpretation guidelines (Richards et al. 2015 PMID: 25741868, with internal and published modifications).

Dr. Peter K. Rogan Lab, Western University
No classification provided (evidence only). Condition: Clear cell carcinoma of kidney. Review status: no classification provided. Collection method: in vitro. Allele origin: not applicable. Functional consequence: retained intron. Not counted in ClinVar's aggregate classification.

Dr. Peter K. Rogan Lab, Western University
No classification provided (evidence only). Condition: Papillary renal cell carcinoma type 1. Review status: no classification provided. Collection method: in vitro. Allele origin: not applicable. Functional consequence: retained intron. Not counted in ClinVar's aggregate classification.

Dr. Peter K. Rogan Lab, Western University
No classification provided (evidence only). Condition: Melanoma. Review status: no classification provided. Collection method: in vitro. Allele origin: not applicable. Functional consequence: retained intron. Not counted in ClinVar's aggregate classification.

Dr. Peter K. Rogan Lab, Western University
No classification provided (evidence only). Condition: Colon adenocarcinoma. Review status: no classification provided. Collection method: in vitro. Allele origin: not applicable. Functional consequence: skipped exon, retained intron. Not counted in ClinVar's aggregate classification.

Dr. Peter K. Rogan Lab, Western University
No classification provided (evidence only). Condition: Cholangiocarcinoma. Review status: no classification provided. Collection method: in vitro. Allele origin: not applicable. Functional consequence: retained intron. Not counted in ClinVar's aggregate classification.

Dr. Peter K. Rogan Lab, Western University
No classification provided (evidence only). Condition: Ovarian serous cystadenocarcinoma. Review status: no classification provided. Collection method: in vitro. Allele origin: not applicable. Functional consequence: retained intron. Not counted in ClinVar's aggregate classification.

NM_004431.5(EPHA2):c.1682G>A (p.Arg561Lys)

Gene: EPHA2 (EPH receptor A2; minus strand). Cytogenetic location: 1p36.13.
Variant type: single nucleotide variant.
Coding change: c.1682G>A on transcript NM_004431.5 (MANE Select); coding-DNA position 1682, G replaced by A.
Protein change: p.Arg561Lys; replaces arginine 561 with lysine.
Molecular consequence: missense variant.
Genome position (GRCh38, 1-based): chr1:16,134,468, C>T on the plus strand (G>A on the coding strand, the complement: EPHA2 is on the minus strand). VCF-style: chr1-16134468-C-T. GRCh37 (hg19) VCF-style: chr1-16460963-C-T.
Other names: NC_000001.10:g.16460963C>T; c.1520G>A, p.Arg507Lys (NM_001329090.2); c.1682G>A (NM_004431.4); short protein forms R507K, R561K.
Identifiers: ClinVar variation 703252 (VCV000703252.6), dbSNP rs150335679, ClinGen allele CA625095.